The following is an entry in ClinVar:

ClinVar aggregate classification (germline): Uncertain significance. Review status: criteria provided, multiple submitters, no conflicts (2 of 4 stars). 2 submissions from 2 submitters: Uncertain significance (2). Last evaluated 2023-11-20.

Conditions:
Inborn genetic diseases. Identifiers: MedGen C0950123, MeSH D030342.
Severe myoclonic epilepsy in infancy (DRVT). Also called: SEVERE MYOCLONIC EPILEPSY OF INFANCY; DEVELOPMENTAL AND EPILEPTIC ENCEPHALOPATHY 6A; Severe Myoclonic Epilepsy in Infancy (SMEI); Dravet syndrome; Epileptic encephalopathy, early infantile, 6 (Dravet syndrome). Identifiers: Orphanet 33069, MedGen C0751122, MONDO:0100135, OMIM 607208.

gnomAD v4.1: 1 of 1,614,180 alleles (0.000062%); no homozygotes.

Submissions (2):

Ambry Genetics
Classification: Uncertain significance for Inborn genetic diseases. Last evaluated: 2023-11-20. Review status: criteria provided, single submitter. Criteria: Ambry Variant Classification Scheme 2023. Collection method: clinical testing. Allele origin: germline.

Labcorp Genetics (formerly Invitae), Labcorp
Classification: Uncertain significance for Severe myoclonic epilepsy in infancy. Last evaluated: 2023-10-03. Review status: criteria provided, single submitter. Criteria: Invitae Variant Classification Sherloc (09022015). Collection method: clinical testing. Allele origin: germline.
Comment: This sequence change replaces asparagine, which is neutral and polar, with serine, which is neutral and polar, at codon 108 of the SNX27 protein (p.Asn108Ser). This variant is not present in population databases (gnomAD no frequency). This variant has not been reported in the literature in individuals affected with SNX27-related conditions. ClinVar contains an entry for this variant (Variation ID: 972299). An algorithm developed to predict the effect of missense changes on protein structure and function (PolyPhen-2) suggests that this variant is likely to be tolerated. In summary, the available evidence is currently insufficient to determine the role of this variant in disease. Therefore, it has been classified as a Variant of Uncertain Significance.

NM_001330723.2(SNX27):c.323A>G (p.Asn108Ser)

Gene: SNX27 (sorting nexin 27; plus strand). Cytogenetic location: 1q21.3.
Variant type: single nucleotide variant.
Coding change: c.323A>G on transcript NM_001330723.2 (MANE Select); coding-DNA position 323, A replaced by G.
Protein change: p.Asn108Ser; replaces asparagine 108 with serine.
Molecular consequence: missense variant.
Genome position (GRCh38, 1-based): chr1:151,638,899, A>G. VCF-style: chr1-151638899-A-G. GRCh37 (hg19) VCF-style: chr1-151611375-A-G.
Other names: c.323A>G, p.Asn108Ser (NM_030918.6); short protein forms N108S.
Identifiers: ClinVar variation 972299 (VCV000972299.11), dbSNP rs1004258589, ClinGen allele CA341981597.